The following is an entry in ClinVar:

ClinVar aggregate classification (germline): Uncertain significance (1 of 4 stars; one submission).

gnomAD v4.1: 1 of 1,581,198 alleles (0.000063%); no homozygotes.

Submission:

Ambry Genetics
Classification: Uncertain significance. Last evaluated: 2026-07-11. Review status: criteria provided, single submitter. Criteria: Ambry Variant Classification Scheme 2023. Collection method: clinical testing. Allele origin: germline.
Comment: The p.P118S variant (also known as c.352C>T), located in coding exon 1 of the GALNT12 gene, results from a C to T substitution at nucleotide position 352. The proline at codon 118 is replaced by serine, an amino acid with similar properties. This amino acid position is conserved. In addition, this alteration is predicted to be tolerated by in silico analysis. Based on the available evidence, the clinical significance of this variant remains unclear.

NM_024642.5(GALNT12):c.352C>T (p.Pro118Ser)

Gene: GALNT12 (polypeptide N-acetylgalactosaminyltransferase 12; plus strand). Cytogenetic location: 9q22.33.
Variant type: single nucleotide variant.
Coding change: c.352C>T on transcript NM_024642.5 (MANE Select); coding-DNA position 352, C replaced by T.
Protein change: p.Pro118Ser; replaces proline 118 with serine.
Molecular consequence: missense variant.
Genome position (GRCh38, 1-based): chr9:98,808,050, C>T. VCF-style: chr9-98808050-C-T. GRCh37 (hg19) VCF-style: chr9-101570332-C-T.
Other names: short protein forms P118S.
Identifiers: ClinVar variation 5022136 (VCV005022136.1).
Genomic context (GRCh38, chr9:98,808,050, plus strand): 5'-GTGCGGCTGCACCAGATTAACATCTACCTCAGCGACCGCATCTCACTGCACCGCCGCCTG[C>T]CCGAGCGCTGGAACCCGCTGTGAGTGCACAGCTCTGGGGAGGAAGCCCGCCCTCAGAGCC-3'
Protein context (NP_078918.3, residues 108-128): SDRISLHRRL[Pro118Ser]ERWNPLCKEK